The following is an entry in ClinVar:

NM_001007237.3(IGSF3):c.2471G>A (p.Gly824Glu)

Gene: IGSF3 (immunoglobulin superfamily member 3; minus strand). Cytogenetic location: 1p13.1.
Variant type: single nucleotide variant.
Coding change: c.2471G>A on transcript NM_001007237.3 (MANE Select); coding-DNA position 2471, G replaced by A.
Protein change: p.Gly824Glu; replaces glycine 824 with glutamic acid.
Molecular consequence: missense variant.
Genome position (GRCh38, 1-based): chr1:116,585,022, C>T on the plus strand (G>A on the coding strand, the complement: IGSF3 is on the minus strand). VCF-style: chr1-116585022-C-T. GRCh37 (hg19) VCF-style: chr1-117127644-C-T.
Other names: c.2531G>A, p.Gly844Glu (NM_001542.4); short protein forms G824E, G844E.
Identifiers: ClinVar variation 3039501 (VCV003039501.2), dbSNP rs76503986, ClinGen allele CA1026236.

ClinVar aggregate classification (germline): Benign (0 of 4 stars; one submission).

Conditions:
IGSF3-related disorder. Also called: IGSF3-related condition.

Allele frequency attached by ClinVar (database versions not stated): gnomAD exomes 0.00170; ExAC 0.00493; ESP Exome Variant Server 0.00815; gnomAD 0.00893; TOPMed 0.00913; 1000 Genomes Project 0.01597; 1000 Genomes Project 30x 0.01640.
gnomAD v4.1: 3,888 of 1,555,334 alleles (0.25%); highest among the groups gnomAD compares: African/African-American, 2.5%; 45 homozygotes.

Submission:

PreventionGenetics, part of Exact Sciences
Classification: Benign for IGSF3-related condition. Last evaluated: 2019-02-26. Review status: no assertion criteria provided. Collection method: clinical testing. Allele origin: germline.
Comment: This variant is classified as benign based on ACMG/AMP sequence variant interpretation guidelines (Richards et al. 2015 PMID: 25741868, with internal and published modifications).